The following is an entry in ClinVar:

ClinVar aggregate classification (germline): Likely pathogenic. Review status: criteria provided, multiple submitters, no conflicts (2 of 4 stars). 2 submissions from 2 submitters: Likely pathogenic (2). Last evaluated 2025-12-22.

Conditions:
SI-related disorder. Also called: SI-related condition.

gnomAD v4.1: 36 of 1,518,156 alleles (0.0024%); highest among the groups gnomAD compares: Non-Finnish European, 0.003%; no homozygotes.

Submissions (2):

Labcorp Genetics (formerly Invitae), Labcorp
Classification: Likely pathogenic. Last evaluated: 2025-12-22. Review status: criteria provided, single submitter. Criteria: Invitae Variant Classification Sherloc (09022015). Collection method: clinical testing. Allele origin: germline.
Comment: This sequence change affects an acceptor splice site in intron 24 of the SI gene. It is expected to disrupt RNA splicing. Variants that disrupt the donor or acceptor splice site typically lead to a loss of protein function (PMID: 16199547), and loss-of-function variants in SI are known to be pathogenic (PMID: 16329100, 23103650, 25452324). This variant is not present in population databases (gnomAD no frequency). This variant has not been reported in the literature in individuals affected with SI-related conditions. ClinVar contains an entry for this variant (Variation ID: 1474044). Algorithms developed to predict the effect of sequence changes on RNA splicing suggest that this variant may disrupt the consensus splice site. In summary, the currently available evidence indicates that the variant is pathogenic, but additional data are needed to prove that conclusively. Therefore, this variant has been classified as Likely Pathogenic.

PreventionGenetics, part of Exact Sciences
Classification: Likely pathogenic for SI-related condition. Last evaluated: 2022-11-02. Review status: criteria provided, single submitter. Criteria: ACMG Guidelines, 2015. Collection method: clinical testing. Allele origin: germline.
Comment: The SI c.2737-2A>G variant is predicted to disrupt the AG splice acceptor site and interfere with normal splicing. To our knowledge, this variant has not been reported in the literature or in a large population database, indicating this variant is rare. Variants that disrupt the consensus splice acceptor site in SI are expected to be pathogenic. This variant is interpreted as likely pathogenic.

Literature cited by the submitters: PubMed 16199547 (cited by Labcorp Genetics (formerly Invitae), Labcorp); PubMed 16329100 (cited by Labcorp Genetics (formerly Invitae), Labcorp); PubMed 23103650 (cited by Labcorp Genetics (formerly Invitae), Labcorp); PubMed 25452324 (cited by Labcorp Genetics (formerly Invitae), Labcorp).

NM_001041.4(SI):c.2737-2A>G

Gene: SI (sucrase-isomaltase; minus strand). Cytogenetic location: 3q26.1.
Variant type: single nucleotide variant.
Coding change: c.2737-2A>G on transcript NM_001041.4 (MANE Select); the canonical splice acceptor site of the intron before coding-DNA position 2737, A replaced by G.
Molecular consequence: splice acceptor variant.
Genome position (GRCh38, 1-based): chr3:165,030,869, T>C on the plus strand (A>G on the coding strand, the complement: SI is on the minus strand). VCF-style: chr3-165030869-T-C. GRCh37 (hg19) VCF-style: chr3-164748657-T-C.
Other names: c.2737-2A>G (NM_001041.3).
Identifiers: ClinVar variation 1474044 (VCV001474044.9), dbSNP rs774405472, ClinGen allele CA2690509.